The following is an entry in ClinVar:

ClinVar aggregate classification (germline): Uncertain significance (1 of 4 stars; one submission).

Submission:

GeneDx
Classification: Uncertain significance. Last evaluated: 2026-07-10. Review status: criteria provided, single submitter. Criteria: GeneDx Variant Classification Process June 2021. Collection method: clinical testing. Allele origin: germline.
Comment: Not observed at significant frequency in large population cohorts (gnomAD); In silico analysis supports that this missense variant has a deleterious effect on protein structure/function; Has not been previously published as pathogenic or benign to our knowledge

NM_014244.5(ADAMTS2):c.2381A>C (p.Glu794Ala)

Gene: ADAMTS2 (ADAM metallopeptidase with thrombospondin type 1 motif 2; minus strand). Cytogenetic location: 5q35.3.
Variant type: single nucleotide variant.
Coding change: c.2381A>C on transcript NM_014244.5 (MANE Select); coding-DNA position 2381, A replaced by C.
Protein change: p.Glu794Ala; replaces glutamic acid 794 with alanine.
Molecular consequence: missense variant.
Genome position (GRCh38, 1-based): chr5:179,130,008, T>G on the plus strand (A>C on the coding strand, the complement: ADAMTS2 is on the minus strand). VCF-style: chr5-179130008-T-G. GRCh37 (hg19) VCF-style: chr5-178557009-T-G.
Other names: short protein forms E794A.
Identifiers: ClinVar variation 4532542 (VCV004532542.2).